The following is an entry in ClinVar:

NM_001025603.2(RFX5):c.922A>G (p.Ser308Gly)

Gene: RFX5 (regulatory factor X5; minus strand). Cytogenetic location: 1q21.3.
Variant type: single nucleotide variant.
Coding change: c.922A>G on transcript NM_001025603.2 (MANE Select); coding-DNA position 922, A replaced by G.
Protein change: p.Ser308Gly; replaces serine 308 with glycine.
Molecular consequence: missense variant.
Genome position (GRCh38, 1-based): chr1:151,343,115, T>C on the plus strand (A>G on the coding strand, the complement: RFX5 is on the minus strand). VCF-style: chr1-151343115-T-C. GRCh37 (hg19) VCF-style: chr1-151315591-T-C.
Other names: c.922A>G, p.Ser308Gly (NM_000449.4, NM_001379412.1, NM_001379413.1 and 5 more transcripts); c.802A>G, p.Ser268Gly (NM_001379419.1, NM_001379420.1); short protein forms S268G, S308G.
Identifiers: ClinVar variation 2873523 (VCV002873523.3), dbSNP rs776686358, ClinGen allele CA341933457.

ClinVar aggregate classification (germline): Uncertain significance (1 of 4 stars; one submission).

Conditions:
MHC class II deficiency. Also called: Bare lymphocyte syndrome 2; BLS, TYPE II. Identifiers: Orphanet 572, MedGen C5447452, MONDO:0008855.

Submission:

Labcorp Genetics (formerly Invitae), Labcorp
Classification: Uncertain significance for MHC class II deficiency. Last evaluated: 2023-05-24. Review status: criteria provided, single submitter. Criteria: Invitae Variant Classification Sherloc (09022015). Collection method: clinical testing. Allele origin: germline.
Comment: In summary, the available evidence is currently insufficient to determine the role of this variant in disease. Therefore, it has been classified as a Variant of Uncertain Significance. An algorithm developed to predict the effect of missense changes on protein structure and function (PolyPhen-2) suggests that this variant is likely to be tolerated. This variant has not been reported in the literature in individuals affected with RFX5-related conditions. This variant is not present in population databases (gnomAD no frequency). This sequence change replaces serine, which is neutral and polar, with glycine, which is neutral and non-polar, at codon 308 of the RFX5 protein (p.Ser308Gly).